The following is an entry in ClinVar:

NM_001165963.4(SCN1A):c.2508C>A (p.Asp836Glu)

Gene: SCN1A (sodium voltage-gated channel alpha subunit 1; minus strand). Cytogenetic location: 2q24.3.
Variant type: single nucleotide variant.
Coding change: c.2508C>A on transcript NM_001165963.4 (MANE Select); coding-DNA position 2508, C replaced by A.
Protein change: p.Asp836Glu; replaces aspartic acid 836 with glutamic acid.
Molecular consequence: missense variant. On other transcripts: non-coding transcript variant (1).
Genome position (GRCh38, 1-based): chr2:166,039,504, G>T on the plus strand (C>A on the coding strand, the complement: SCN1A is on the minus strand). VCF-style: chr2-166039504-G-T. GRCh37 (hg19) VCF-style: chr2-166896014-G-T.
Other names: c.2424C>A, p.Asp808Glu (NM_001165964.3, NM_001353957.2, NM_001353958.2); c.2508C>A, p.Asp836Glu (NM_001202435.3, NM_001353948.2); c.2475C>A, p.Asp825Glu (NM_001353949.2, NM_001353950.2, NM_001353951.2 and 2 more transcripts); c.2472C>A, p.Asp824Glu (NM_001353954.2, NM_001353955.2); c.2421C>A, p.Asp807Glu (NM_001353960.2); c.66C>A, p.Asp22Glu (NM_001353961.2); c.2508C>A (NM_001165963.3); short protein forms D807E, D22E, D836E, D808E, D824E, D825E.
Identifiers: ClinVar variation 1792336 (VCV001792336.7), dbSNP rs575554223, ClinGen allele CA349062580.
Genomic context (GRCh38, chr2:166,039,504, plus strand): 5'-AGATAATCCTTCCACATTGGCGAGTCCAAGTTCTACCAGGCTAAGCGTCACAATAAAACC[G>T]TCAAAGATATTCCAGCCTTCTTGGAAATAATAGTAAGGATCCATGGCAATAATTTTCAGA-3'
Protein context (NP_001159435.1, residues 826-846): YYFQEGWNIF[Asp836Glu]GFIVTLSLVE

ClinVar aggregate classification (germline): Uncertain significance. Review status: criteria provided, multiple submitters, no conflicts (2 of 4 stars). 4 submissions from 4 submitters: Uncertain significance (3). 1 of the submissions does not count toward it. Last evaluated 2024-04-24.

Conditions:
Developmental and epileptic encephalopathy 6B. Also called: Developmental and epileptic encephalopathy 6B, non-Dravet. Identifiers: MedGen C5543353, MONDO:0030268, OMIM 619317.
Inborn genetic diseases. Identifiers: MedGen C0950123, MeSH D030342.
Early-infantile DEE. Also called: Early infantile epileptic encephalopathy; Ohtahara syndrome; Early infantile epileptic encephalopathy with suppression bursts. Identifiers: Orphanet 1934, MedGen C0393706, MONDO:0800491.

Submissions (4):

Labcorp Genetics (formerly Invitae), Labcorp
Classification: Uncertain significance for Early-infantile DEE. Last evaluated: 2024-04-24. Review status: criteria provided, single submitter. Criteria: Invitae Variant Classification Sherloc (09022015). Collection method: clinical testing. Allele origin: germline.
Comment: This sequence change replaces aspartic acid, which is acidic and polar, with glutamic acid, which is acidic and polar, at codon 836 of the SCN1A protein (p.Asp836Glu). This variant is not present in population databases (gnomAD no frequency). This variant has not been reported in the literature in individuals affected with SCN1A-related conditions. ClinVar contains an entry for this variant (Variation ID: 1792336). Advanced modeling of protein sequence and biophysical properties (such as structural, functional, and spatial information, amino acid conservation, physicochemical variation, residue mobility, and thermodynamic stability) performed at Invitae indicates that this missense variant is expected to disrupt SCN1A protein function with a positive predictive value of 95%. In summary, the available evidence is currently insufficient to determine the role of this variant in disease. Therefore, it has been classified as a Variant of Uncertain Significance.

Blueprint Genetics
Classification: Uncertain significance. Last evaluated: 2023-06-05. Review status: criteria provided, single submitter. Criteria: ACMG Guidelines, 2015. Collection method: clinical testing. Allele origin: germline.

Ambry Genetics
Classification: Uncertain significance for Inborn genetic diseases. Last evaluated: 2018-01-24. Review status: criteria provided, single submitter. Criteria: Ambry Variant Classification Scheme 2023. Collection method: clinical testing. Allele origin: germline.
Comment: The p.D836E variant (also known as c.2508C>A), located in coding exon 14 of the SCN1A gene, results from a C to A substitution at nucleotide position 2508. The aspartic acid at codon 836 is replaced by glutamic acid, an amino acid with highly similar properties. This amino acid position is highly conserved in available vertebrate species. In addition, this alteration is predicted to be deleterious by in silico analysis. Since supporting evidence is limited at this time, the clinical significance of this alteration remains unclear.

Department of Developmental Neurology, Medical University of Gdansk
No classification provided. Condition: Developmental and epileptic encephalopathy 6B. Review status: no classification provided. Collection method: phenotyping only. Allele origin: germline. Inheritance: Autosomal dominant inheritance. Affected: yes. Observed: 1 heterozygote. Not counted in ClinVar's aggregate classification.